The following is an entry in ClinVar:

ClinVar aggregate classification (germline): Uncertain significance (1 of 4 stars; one submission).

Conditions:
Combined immunodeficiency due to DOCK8 deficiency (HIES2). Also called: HIES autosomal recessive; Hyper-IgE recurrent infection syndrome, autosomal recessive; HYPER-IgE RECURRENT INFECTION SYNDROME 2, AUTOSOMAL RECESSIVE; HYPER-IgE SYNDROME 2, AUTOSOMAL RECESSIVE, WITH RECURRENT INFECTIONS; DOCK8 Deficiency. Identifiers: Orphanet 217390, MedGen C4722305, MONDO:0009478, OMIM 243700.

gnomAD v4.1: 36 of 1,613,980 alleles (0.0022%); highest among the groups gnomAD compares: Non-Finnish European, 0.0028%; no homozygotes.

Submission:

Labcorp Genetics (formerly Invitae), Labcorp
Classification: Uncertain significance for Combined immunodeficiency due to DOCK8 deficiency. Last evaluated: 2026-02-01. Review status: criteria provided, single submitter. Criteria: Invitae Variant Classification Sherloc (09022015). Collection method: clinical testing. Allele origin: germline.
Comment: This sequence change replaces cysteine, which is neutral and slightly polar, with phenylalanine, which is neutral and non-polar, at codon 521 of the DOCK8 protein (p.Cys521Phe). This variant is present in population databases (no rsID available, gnomAD 0.0009%). This variant has not been reported in the literature in individuals affected with DOCK8-related conditions. Invitae Evidence Modeling of protein sequence and biophysical properties (such as structural, functional, and spatial information, amino acid conservation, physicochemical variation, residue mobility, and thermodynamic stability) indicates that this missense variant is not expected to disrupt DOCK8 protein function with a negative predictive value of 80%. In summary, the available evidence is currently insufficient to determine the role of this variant in disease. Therefore, it has been classified as a Variant of Uncertain Significance.

NM_203447.4(DOCK8):c.1562G>T (p.Cys521Phe)

Gene: DOCK8 (dedicator of cytokinesis 8; plus strand). Cytogenetic location: 9p24.3.
Variant type: single nucleotide variant.
Coding change: c.1562G>T on transcript NM_203447.4 (MANE Select); coding-DNA position 1562, G replaced by T.
Protein change: p.Cys521Phe; replaces cysteine 521 with phenylalanine.
Molecular consequence: missense variant.
Genome position (GRCh38, 1-based): chr9:340,204, G>T. VCF-style: chr9-340204-G-T. GRCh37 (hg19) VCF-style: chr9-340204-G-T.
Other names: c.1358G>T, p.Cys453Phe (NM_001190458.2, NM_001193536.2); short protein forms C453F, C521F.
Identifiers: ClinVar variation 4779189 (VCV004779189.1).